The following is an entry in ClinVar:

ClinVar aggregate classification (germline): Uncertain significance (1 of 4 stars; one submission).

gnomAD v4.1: 2 of 1,613,556 alleles (0.00012%); highest among the groups gnomAD compares: Admixed American, 0.0017%; no homozygotes.

Submission:

Labcorp Genetics (formerly Invitae), Labcorp
Classification: Uncertain significance. Last evaluated: 2021-09-14. Review status: criteria provided, single submitter. Criteria: Invitae Variant Classification Sherloc (09022015). Collection method: clinical testing. Allele origin: germline.
Comment: In summary, the available evidence is currently insufficient to determine the role of this variant in disease. Therefore, it has been classified as a Variant of Uncertain Significance. Algorithms developed to predict the effect of missense changes on protein structure and function (SIFT, PolyPhen-2, Align-GVGD) all suggest that this variant is likely to be tolerated. This variant has not been reported in the literature in individuals affected with LAMA1-related conditions. This variant is not present in population databases (ExAC no frequency). This sequence change replaces proline with threonine at codon 1688 of the LAMA1 protein (p.Pro1688Thr). The proline residue is weakly conserved and there is a small physicochemical difference between proline and threonine.

NM_005559.4(LAMA1):c.5062C>A (p.Pro1688Thr)

Gene: LAMA1 (laminin subunit alpha 1; minus strand). Cytogenetic location: 18p11.31.
Variant type: single nucleotide variant.
Coding change: c.5062C>A on transcript NM_005559.4 (MANE Select); coding-DNA position 5062, C replaced by A.
Protein change: p.Pro1688Thr; replaces proline 1688 with threonine.
Molecular consequence: missense variant.
Genome position (GRCh38, 1-based): chr18:6,992,667, G>T on the plus strand (C>A on the coding strand, the complement: LAMA1 is on the minus strand). VCF-style: chr18-6992667-G-T. GRCh37 (hg19) VCF-style: chr18-6992666-G-T.
Other names: short protein forms P1688T.
Identifiers: ClinVar variation 1399920 (VCV001399920.6), dbSNP rs1355368277, ClinGen allele CA401841334.
Genomic context (GRCh38, chr18:6,992,667, plus strand): 5'-TCTGCATGATTTCTAGCAAAGATGTACCATTCTGTTGCATGTTCTGAAGAGTAGAATTGG[G>T]TAGTAGGAAATCTTCATCCAAAGTCTGATTTAAAGTTGTCTTTTCCATAATTTCTATGGA-3'
Protein context (NP_005550.2, residues 1678-1698): NQTLDEDFLL[Pro1688Thr]NSTLQNMQQN